The following is an entry in ClinVar:

NM_194248.3(OTOF):c.4063G>A (p.Glu1355Lys)

Gene: OTOF (otoferlin; minus strand). Cytogenetic location: 2p23.3.
Variant type: single nucleotide variant.
Coding change: c.4063G>A on transcript NM_194248.3 (MANE Select); coding-DNA position 4063, G replaced by A.
Protein change: p.Glu1355Lys; replaces glutamic acid 1355 with lysine.
Molecular consequence: missense variant.
Genome position (GRCh38, 1-based): chr2:26,468,435, C>T on the plus strand (G>A on the coding strand, the complement: OTOF is on the minus strand). VCF-style: chr2-26468435-C-T. GRCh37 (hg19) VCF-style: chr2-26691303-C-T.
Other names: c.4063G>A (NM_194248.2); c.4063G>A, p.Glu1355Lys (NM_001287489.2); c.1762G>A, p.Glu588Lys (NM_004802.4, NM_194323.3); c.1993G>A, p.Glu665Lys (NM_194322.3); short protein forms E588K, E1355K, E665K.
Identifiers: ClinVar variation 2976354 (VCV002976354.5), dbSNP rs183309645, ClinGen allele CA1563308.

ClinVar aggregate classification (germline): Conflicting classifications of pathogenicity. Review status: criteria provided, conflicting classifications (1 of 4 stars). 3 submissions from 3 submitters: Uncertain significance (2); Likely benign (1). Last evaluated 2026-01-07.

Conditions:
OTOF-related disorder. Also called: OTOF-related condition.

Allele frequency attached by ClinVar (database versions not stated): gnomAD exomes 0.00001; ExAC 0.00003; gnomAD 0.00003; TOPMed 0.00004; 1000 Genomes Project 0.00040; 1000 Genomes Project 30x 0.00094.
gnomAD v4.1: 21 of 1,614,068 alleles (0.0013%); highest among the groups gnomAD compares: East Asian, 0.033%; no homozygotes.

Submissions (3):

PreventionGenetics, part of Exact Sciences
Classification: Uncertain significance for OTOF-related condition. Last evaluated: 2026-01-07. Review status: criteria provided, single submitter. Criteria: ACMG Guidelines, 2015. Collection method: clinical testing. Allele origin: germline.
Comment: The OTOF c.4063G>A variant is predicted to result in the amino acid substitution p.Glu1355Lys. To our knowledge, this variant has not been reported in the literature. This variant is reported in 0.055% of alleles in individuals of East Asian descent in gnomAD. Although we suspect that this variant may be benign, at this time, the clinical significance of this variant is uncertain due to the absence of conclusive functional and genetic evidence.

GeneDx
Classification: Uncertain significance. Last evaluated: 2025-03-06. Review status: criteria provided, single submitter. Criteria: GeneDx Variant Classification Process June 2021. Collection method: clinical testing. Allele origin: germline. Affected: yes.
Comment: Not observed at significant frequency in large population cohorts (gnomAD); In silico analysis indicates that this missense variant does not alter protein structure/function; Has not been previously published as pathogenic or benign to our knowledge

Labcorp Genetics (formerly Invitae), Labcorp
Classification: Likely benign. Last evaluated: 2024-03-23. Review status: criteria provided, single submitter. Criteria: Invitae Variant Classification Sherloc (09022015). Collection method: clinical testing. Allele origin: germline.